The following is an entry in ClinVar:

NM_001374736.1(DST):c.20965G>A (p.Ala6989Thr)

Gene: DST (dystonin; minus strand). Cytogenetic location: 6p12.1.
Variant type: single nucleotide variant.
Coding change: c.20965G>A on transcript NM_001374736.1 (MANE Select); coding-DNA position 20965, G replaced by A.
Protein change: p.Ala6989Thr; replaces alanine 6989 with threonine.
Molecular consequence: missense variant.
Genome position (GRCh38, 1-based): chr6:56,487,186, C>T on the plus strand (G>A on the coding strand, the complement: DST is on the minus strand). VCF-style: chr6-56487186-C-T. GRCh37 (hg19) VCF-style: chr6-56351984-C-T.
Other names: c.14608G>A, p.Ala4870Thr (NM_001144769.5); c.14194G>A, p.Ala4732Thr (NM_001144770.2); c.20965G>A, p.Ala6989Thr (NM_001374722.1); c.20005G>A, p.Ala6669Thr (NM_001374729.1); c.13747G>A, p.Ala4583Thr (NM_001374730.1); c.20992G>A, p.Ala6998Thr (NM_001374734.1); c.14074G>A, p.Ala4692Thr (NM_001386100.1, NM_183380.4); c.13096G>A, p.Ala4366Thr (NM_015548.5); short protein forms A4692T, A4366T, A4583T, A4732T, A6998T, A6669T, A4870T, A6989T.
Identifiers: ClinVar variation 4984442 (VCV004984442.1).

ClinVar aggregate classification (germline): Uncertain significance (1 of 4 stars; one submission).

Conditions:
DST-related disorder. Also called: DST-related disorders; DST-related condition.

gnomAD v4.1: 6 of 1,613,790 alleles (0.00037%); highest among the groups gnomAD compares: African/African-American, 0.008%; no homozygotes.

Submission:

PreventionGenetics, part of Exact Sciences
Classification: Uncertain significance for DST-related condition. Last evaluated: 2025-04-14. Review status: criteria provided, single submitter. Criteria: ACMG Guidelines, 2015. Collection method: clinical testing. Allele origin: germline.
Comment: The DST c.14608G>A variant is predicted to result in the amino acid substitution p.Ala4870Thr. In an alternate transcript (NM_001723.5), this variant is found within an non-coding region (c.*128331G>A). To our knowledge, this variant has not been reported in the literature. This variant is reported in 0.017% of alleles in individuals of African descent in gnomAD. At this time, the clinical significance of this variant is uncertain due to the absence of conclusive functional and genetic evidence.